The following is an entry in ClinVar:

NM_001854.4(COL11A1):c.3508C>T (p.Pro1170Ser)

Gene: COL11A1 (collagen type XI alpha 1 chain; minus strand). Cytogenetic location: 1p21.1.
Variant type: single nucleotide variant.
Coding change: c.3508C>T on transcript NM_001854.4 (MANE Select); coding-DNA position 3508, C replaced by T.
Protein change: p.Pro1170Ser; replaces proline 1170 with serine.
Molecular consequence: missense variant. On other transcripts: non-coding transcript variant (1).
Genome position (GRCh38, 1-based): chr1:102,934,541, G>A on the plus strand (C>T on the coding strand, the complement: COL11A1 is on the minus strand). VCF-style: chr1-102934541-G-A. GRCh37 (hg19) VCF-style: chr1-103400097-G-A.
Other names: c.3508C>T (NM_001854.3); c.3160C>T, p.Pro1054Ser (NM_001168249.1, NM_080630.4); c.3391C>T, p.Pro1131Ser (NM_001190709.2); c.3544C>T, p.Pro1182Ser (NM_080629.3); short protein forms P1131S, P1182S, P1054S, P1170S.
Identifiers: ClinVar variation 2122120 (VCV002122120.5), dbSNP rs771888200, ClinGen allele CA973973.
Genomic context (GRCh38, chr1:102,934,541, plus strand): 5'-AGCCTCTGGCACCCTCATCACCTTTTTGCCCAAACATCCCCTGCTGTCCTCTAGGACCTG[G>A]TTCACCATCACCTCCCTAGAGAAGAGAAAGAAACATTATCACAAACTGGAAAAAATCATT-3'
Protein context (NP_001845.3, residues 1160-1180): APGIAGGDGE[Pro1170Ser]GPRGQQGMFG

ClinVar aggregate classification (germline): Likely benign. Review status: criteria provided, single submitter (1 of 4 stars). 2 submissions from 2 submitters: Likely benign (1). 1 of the submissions does not count toward it. Last evaluated 2025-03-04.

Conditions:
COL11A1-related disorder. Also called: COL11A1-related condition; COL11A1-related disorders.

Allele frequency attached by ClinVar (database versions not stated): gnomAD exomes below 0.00001; ExAC 0.00001.
gnomAD v4.1: 4 of 1,613,640 alleles (0.00025%); highest among the groups gnomAD compares: Non-Finnish European, 0.00034%; no homozygotes.

Submissions (2):

Labcorp Genetics (formerly Invitae), Labcorp
Classification: Likely benign. Last evaluated: 2025-03-04. Review status: criteria provided, single submitter. Criteria: Invitae Variant Classification Sherloc (09022015). Collection method: clinical testing. Allele origin: germline.

PreventionGenetics, part of Exact Sciences
Classification: Uncertain significance for COL11A1-related condition. Last evaluated: 2024-08-08. Review status: no assertion criteria provided. Collection method: clinical testing. Allele origin: germline. Not counted in ClinVar's aggregate classification.
Comment: The COL11A1 c.3508C>T variant is predicted to result in the amino acid substitution p.Pro1170Ser. To our knowledge, this variant has not been reported in the literature. This variant is reported in 0.00088% of alleles in individuals of European (Non-Finnish) descent in gnomAD. At this time, the clinical significance of this variant is uncertain due to the absence of conclusive functional and genetic evidence.